The following is an entry in ClinVar:

ClinVar aggregate classification (germline): Uncertain significance (1 of 4 stars; one submission).

Submission:

Ambry Genetics
Classification: Uncertain significance. Last evaluated: 2025-11-05. Review status: criteria provided, single submitter. Criteria: Ambry Variant Classification Scheme 2023. Collection method: clinical testing. Allele origin: germline.
Comment: The p.T598P variant (also known as c.1792A>C), located in coding exon 9 of the ATRIP gene, results from an A to C substitution at nucleotide position 1792. The threonine at codon 598 is replaced by proline, an amino acid with highly similar properties. This amino acid position is conserved. In addition, this alteration is predicted to be tolerated by in silico analysis. Based on the available evidence, the clinical significance of this variant remains unclear.

NM_130384.3(ATRIP):c.1792A>C (p.Thr598Pro)

Genes: ATRIP (ATR interacting protein; plus strand), ATRIP-TREX1 (ATRIP-TREX1 readthrough; plus strand). Cytogenetic location: 3p21.31.
Variant type: single nucleotide variant.
Coding change: c.1792A>C on transcript NM_130384.3 (MANE Select); coding-DNA position 1792, A replaced by C.
Protein change: p.Thr598Pro; replaces threonine 598 with proline.
Molecular consequence: missense variant. On other transcripts: non-coding transcript variant (1).
Genome position (GRCh38, 1-based): chr3:48,463,791, A>C. VCF-style: chr3-48463791-A-C. GRCh37 (hg19) VCF-style: chr3-48505190-A-C.
Other names: c.1411A>C, p.Thr471Pro (NM_001271022.2); c.1513A>C, p.Thr505Pro (NM_001271023.2); c.1792A>C, p.Thr598Pro (NM_032166.4); short protein forms T471P, T598P, T505P.
Identifiers: ClinVar variation 4644576 (VCV004644576.1).
Genomic context (GRCh38, chr3:48,463,791, plus strand): 5'-TCCCTGTCTTTTAGGTTCCAGTGTGTGTTCCAAGTGCTGCCAAAGTGCCTCAGCCCAGAG[A>C]CACCCCTGCCTAGCGTGCTGCTGGCTGTTGAGCTCCTCTCCCTGCTGGCGGACCACGACC-3'
Protein context (NP_569055.1, residues 588-608): QVLPKCLSPE[Thr598Pro]PLPSVLLAVE